The following is an entry in ClinVar:

NM_021926.4(ALX4):c.69G>C (p.Pro23=)

Gene: ALX4 (ALX homeobox 4; minus strand). Cytogenetic location: 11p11.2.
Variant type: single nucleotide variant.
Coding change: c.69G>C on transcript NM_021926.4 (MANE Select); coding-DNA position 69, G replaced by C.
Protein change: p.Pro23=; no amino-acid change (proline 23 retained).
Molecular consequence: synonymous variant.
Genome position (GRCh38, 1-based): chr11:44,309,994, C>G on the plus strand (G>C on the coding strand, the complement: ALX4 is on the minus strand). VCF-style: chr11-44309994-C-G. GRCh37 (hg19) VCF-style: chr11-44331544-C-G.
Other names: c.69G>C, p.Pro23= (LRG_1256t1).
Identifiers: ClinVar variation 304716 (VCV000304716.13), dbSNP rs115968657, ClinGen allele CA5955816.

ClinVar aggregate classification (germline): Benign. Review status: criteria provided, multiple submitters, no conflicts (2 of 4 stars). 5 submissions from 5 submitters: Benign (5). Last evaluated 2025-12-20.

Conditions:
Frontonasal dysplasia with alopecia and genital anomaly. Identifiers: Orphanet 228390, MedGen C3150703, MONDO:0013268, OMIM 613451.
Craniosynostosis 5, susceptibility to (CRS5). Identifiers: Orphanet 35093, MedGen C3809819, MONDO:0014232, OMIM 615529.
Parietal foramina 2 (PFM2). Identifiers: Orphanet 60015, MedGen C1865044, MONDO:0012309, OMIM 609597.

Allele frequency attached by ClinVar (database versions not stated): gnomAD 0.00532; TOPMed 0.00550; ESP Exome Variant Server 0.00592; 1000 Genomes Project 30x 0.02374; 1000 Genomes Project 0.02636.

Submissions (5):

Labcorp Genetics (formerly Invitae), Labcorp
Classification: Benign. Last evaluated: 2025-12-20. Review status: criteria provided, single submitter. Criteria: Invitae Variant Classification Sherloc (09022015). Collection method: clinical testing. Allele origin: germline.

Fulgent Genetics
Classification: Benign for Parietal foramina 2; Frontonasal dysplasia with alopecia and genital anomaly; Craniosynostosis 5, susceptibility to. Last evaluated: 2021-07-14. Review status: criteria provided, single submitter. Criteria: ACMG Guidelines, 2015. Collection method: clinical testing. Allele origin: unknown.

GeneDx
Classification: Benign. Last evaluated: 2018-11-08. Review status: criteria provided, single submitter. Criteria: GeneDx Variant Classification Process June 2021. Collection method: clinical testing. Allele origin: germline. Affected: yes.

Illumina Laboratory Services, Illumina
Classification: Benign for Parietal foramina 2. Last evaluated: 2018-01-12. Review status: criteria provided, single submitter. Criteria: ICSL Variant Classification Criteria 13 December 2019. Collection method: clinical testing. Allele origin: germline.
Comment: This variant was observed in the ICSL laboratory as part of a predisposition screen in an ostensibly healthy population. It had not been previously curated by ICSL or reported in the Human Gene Mutation Database (HGMD: prior to June 1st, 2018), and was therefore a candidate for classification through an automated scoring system. Utilizing variant allele frequency, disease prevalence and penetrance estimates, and inheritance mode, an automated score was calculated to assess if this variant is too frequent to cause the disease. Based on the score and internal cut-off values, a variant classified as benign is not then subjected to further curation. The score for this variant resulted in a classification of benign for this disease.

Breakthrough Genomics
Classification: Benign. Review status: criteria provided, single submitter. Criteria: ACMG Guidelines, 2015. Collection method: not provided. Allele origin: germline. Inheritance: Autosomal recessive inheritance. Affected: yes.